The following is an entry in ClinVar:

NM_003079.5(SMARCE1):c.369+4G>A

Gene: SMARCE1 (SWI/SNF related BAF chromatin remodeling complex subunit E1; minus strand). Cytogenetic location: 17q21.2.
Variant type: single nucleotide variant.
Coding change: c.369+4G>A on transcript NM_003079.5 (MANE Select); 4 bases into the intron after coding-DNA position 369, G replaced by A.
Molecular consequence: intron variant.
Genome position (GRCh38, 1-based): chr17:40,636,391, C>T on the plus strand (G>A on the coding strand, the complement: SMARCE1 is on the minus strand). VCF-style: chr17-40636391-C-T. GRCh37 (hg19) VCF-style: chr17-38792643-C-T.
Identifiers: ClinVar variation 824074 (VCV000824074.8), dbSNP rs1597746280, ClinGen allele CA915950003.

ClinVar aggregate classification (germline): Uncertain significance. Review status: criteria provided, multiple submitters, no conflicts (2 of 4 stars). 2 submissions from 2 submitters: Uncertain significance (2). Last evaluated 2026-02-16.

Conditions:
Familial meningioma. Also called: Meningioma, familial, susceptibility to. Identifiers: Orphanet 263662, MedGen C3551915, MONDO:0011789, OMIM 607174.
Hereditary cancer-predisposing syndrome. Also called: Hereditary Cancer Syndrome; Tumor predisposition; Neoplastic Syndromes, Hereditary; Hereditary neoplastic syndrome. Identifiers: Orphanet 140162, MedGen C0027672, MeSH D009386, MONDO:0015356.

Submissions (2):

Ambry Genetics
Classification: Uncertain significance for Hereditary cancer-predisposing syndrome. Last evaluated: 2026-02-16. Review status: criteria provided, single submitter. Criteria: Ambry Variant Classification Scheme 2023. Collection method: clinical testing. Allele origin: germline.
Comment: The c.369+4G>A intronic variant results from a G to A substitution 4 nucleotides after coding exon 5 in the SMARCE1 gene. This nucleotide position is well conserved in available vertebrate species. In silico splice site analysis predicts that this alteration may result in the creation or strengthening of a novel splice donor site. Based on the available evidence, the clinical significance of this variant remains unclear.

Labcorp Genetics (formerly Invitae), Labcorp
Classification: Uncertain significance for Familial meningioma. Last evaluated: 2023-06-19. Review status: criteria provided, single submitter. Criteria: Invitae Variant Classification Sherloc (09022015). Collection method: clinical testing. Allele origin: germline.
Comment: In summary, the available evidence is currently insufficient to determine the role of this variant in disease. Therefore, it has been classified as a Variant of Uncertain Significance. This variant is not present in population databases (gnomAD no frequency). Variants that disrupt the consensus splice site are a relatively common cause of aberrant splicing (PMID: 17576681, 9536098). Algorithms developed to predict the effect of sequence changes on RNA splicing suggest that this variant may create or strengthen a splice site. ClinVar contains an entry for this variant (Variation ID: 824074). This variant has not been reported in the literature in individuals affected with SMARCE1-related conditions. This sequence change falls in intron 6 of the SMARCE1 gene. It does not directly change the encoded amino acid sequence of the SMARCE1 protein. It affects a nucleotide within the consensus splice site.

Literature cited by the submitters: PubMed 17576681 (cited by Labcorp Genetics (formerly Invitae), Labcorp); PubMed 9536098 (cited by Labcorp Genetics (formerly Invitae), Labcorp).